The following is an entry in ClinVar:

NM_006206.6(PDGFRA):c.*2546A>G

Gene: PDGFRA (platelet derived growth factor receptor alpha; plus strand). Cytogenetic location: 4q12.
Variant type: single nucleotide variant.
Coding change: c.*2546A>G on transcript NM_006206.6 (MANE Select); 2546 bases downstream of the stop codon, A replaced by G.
Molecular consequence: 3 prime UTR variant.
Genome position (GRCh38, 1-based): chr4:54,297,818, A>G. VCF-style: chr4-54297818-A-G. GRCh37 (hg19) VCF-style: chr4-55163985-A-G.
Other names: c.*2546A>G (NM_001347828.2, NM_001347829.2, NM_001347830.2).
Identifiers: ClinVar variation 901225 (VCV000901225.4), dbSNP rs112690644, ClinGen allele CA96835087.

ClinVar aggregate classification (germline): Benign/Likely benign. Review status: criteria provided, single submitter (1 of 4 stars). 2 submissions from 1 submitter: Benign (1); Likely benign (1). Last evaluated 2018-01-13.

Conditions:
Gastrointestinal stromal tumor. Also called: Gastrointestinal stroma tumor; Gastrointestinal stromal tumor, somatic. Identifiers: Orphanet 44890, MedGen C0238198, MeSH D046152, MONDO:0011719, OMIM 606764, HP:0100723.
Idiopathic hypereosinophilic syndrome (HES). Identifiers: Orphanet 3260, MedGen C0206141, MONDO:0011895, OMIM 607685. Disease mechanism: gain of function.

Allele frequency attached by ClinVar (database versions not stated): gnomAD exomes 0.00035; 1000 Genomes Project 0.00060; 1000 Genomes Project 30x 0.00062; TOPMed 0.00073; gnomAD 0.00081 and 0.00083.
gnomAD v4.1: 154 of 233,626 alleles (0.066%); highest among the groups gnomAD compares: African/African-American, 0.3%; no homozygotes.

Submissions (2):

Illumina Laboratory Services, Illumina
Classification: Likely benign for Gastrointestinal stromal tumor. Last evaluated: 2018-01-13. Review status: criteria provided, single submitter. Criteria: ICSL Variant Classification Criteria 13 December 2019. Collection method: clinical testing. Allele origin: germline.
Comment: This variant was observed in the ICSL laboratory as part of a predisposition screen in an ostensibly healthy population. It had not been previously curated by ICSL or reported in the Human Gene Mutation Database (HGMD: prior to June 1st, 2018), and was therefore a candidate for classification through an automated scoring system. Utilizing variant allele frequency, disease prevalence and penetrance estimates, and inheritance mode, an automated score was calculated to assess if this variant is too frequent to cause the disease. Based on the score and internal cut-off values, a variant classified as likely benign is not then subjected to further curation. The score for this variant resulted in a classification of likely benign for this disease.

Illumina Laboratory Services, Illumina
Classification: Benign for Idiopathic hypereosinophilic syndrome. Last evaluated: 2018-01-13. Review status: criteria provided, single submitter. Criteria: ICSL Variant Classification Criteria 13 December 2019. Collection method: clinical testing. Allele origin: germline.
Comment: This variant was observed in the ICSL laboratory as part of a predisposition screen in an ostensibly healthy population. It had not been previously curated by ICSL or reported in the Human Gene Mutation Database (HGMD: prior to June 1st, 2018), and was therefore a candidate for classification through an automated scoring system. Utilizing variant allele frequency, disease prevalence and penetrance estimates, and inheritance mode, an automated score was calculated to assess if this variant is too frequent to cause the disease. Based on the score and internal cut-off values, a variant classified as benign is not then subjected to further curation. The score for this variant resulted in a classification of benign for this disease.